The following is an entry in ClinVar:

ClinVar aggregate classification (germline): Uncertain significance (1 of 4 stars; one submission).

Conditions:
Nemaline myopathy 6 (NEM6). Also called: Nemaline myopathy 6, autosomal dominant. Identifiers: Orphanet 171439, MedGen C1836472, MONDO:0012237, OMIM 609273.

Allele frequency attached by ClinVar (database versions not stated): ExAC 0.00002.

Submission:

Labcorp Genetics (formerly Invitae), Labcorp
Classification: Uncertain significance for Nemaline myopathy 6. Last evaluated: 2022-04-23. Review status: criteria provided, single submitter. Criteria: Invitae Variant Classification Sherloc (09022015). Collection method: clinical testing. Allele origin: germline.
Comment: This sequence change replaces cysteine, which is neutral and slightly polar, with serine, which is neutral and polar, at codon 345 of the KBTBD13 protein (p.Cys345Ser). This variant is present in population databases (rs761666635, gnomAD 0.002%). This variant has not been reported in the literature in individuals affected with KBTBD13-related conditions. Algorithms developed to predict the effect of missense changes on protein structure and function are either unavailable or do not agree on the potential impact of this missense change (SIFT: "Deleterious"; PolyPhen-2: "Possibly Damaging"; Align-GVGD: "Class C0"). In summary, the available evidence is currently insufficient to determine the role of this variant in disease. Therefore, it has been classified as a Variant of Uncertain Significance.

NM_001101362.3(KBTBD13):c.1034G>C (p.Cys345Ser)

Gene: KBTBD13 (kelch repeat and BTB domain containing 13; plus strand). Cytogenetic location: 15q22.31.
Variant type: single nucleotide variant.
Coding change: c.1034G>C on transcript NM_001101362.3 (MANE Select); coding-DNA position 1034, G replaced by C.
Protein change: p.Cys345Ser; replaces cysteine 345 with serine.
Molecular consequence: missense variant.
Genome position (GRCh38, 1-based): chr15:65,077,849, G>C. VCF-style: chr15-65077849-G-C. GRCh37 (hg19) VCF-style: chr15-65370187-G-C.
Other names: short protein forms C345S.
Identifiers: ClinVar variation 1951676 (VCV001951676.5), dbSNP rs761666635, ClinGen allele CA7614050.
Genomic context (GRCh38, chr15:65,077,849, plus strand): 5'-TGCGGACCGACGCGTGGCTGCCAGTGGCCGAGCTGCGGCGTCCGCAGAGCTATGGCCACT[G>C]CATGGTGGCCCACCGCGACAGCCTCTATGTGGTGCGCAACGGACCTTCCGACGACTTCCT-3'
Protein context (NP_001094832.1, residues 335-355): ELRRPQSYGH[Cys345Ser]MVAHRDSLYV